The following is an entry in ClinVar:

ClinVar aggregate classification (germline): Likely benign. Review status: criteria provided, multiple submitters, no conflicts (2 of 4 stars). 3 submissions from 3 submitters: Likely benign (2). 1 of the submissions does not count toward it. Last evaluated 2025-11-18.

Conditions:
TUSC3-related disorder. Also called: TUSC3-related condition.
Intellectual developmental disorder, autosomal recessive 7. Also called: Intellectual disability, autosomal recessive 7. Identifiers: Orphanet 88616, MedGen C1970197, MONDO:0012615, OMIM 611093.

Allele frequency attached by ClinVar (database versions not stated): ExAC 0.00001; gnomAD 0.00002; gnomAD exomes 0.00002 and 0.00004; TOPMed 0.00003.
gnomAD v4.1: 65 of 1,569,168 alleles (0.0041%); highest among the groups gnomAD compares: Non-Finnish European, 0.0053%; no homozygotes.

Submissions (3):

Labcorp Genetics (formerly Invitae), Labcorp
Classification: Likely benign for Intellectual developmental disorder, autosomal recessive 7. Last evaluated: 2025-11-18. Review status: criteria provided, single submitter. Criteria: Invitae Variant Classification Sherloc (09022015). Collection method: clinical testing. Allele origin: germline.

Genetic Services Laboratory, University of Chicago
Classification: Likely benign for AllHighlyPenetrant. Last evaluated: 2014-03-17. Review status: criteria provided, single submitter. Criteria: ACMG Guidelines, 2007. Collection method: clinical testing. Allele origin: germline. Inheritance: Autosomal recessive inheritance.

PreventionGenetics, part of Exact Sciences
Classification: Likely benign for TUSC3-related condition. Last evaluated: 2019-02-28. Review status: no assertion criteria provided. Collection method: clinical testing. Allele origin: germline. Not counted in ClinVar's aggregate classification.
Comment: This variant is classified as likely benign based on ACMG/AMP sequence variant interpretation guidelines (Richards et al. 2015 PMID: 25741868, with internal and published modifications).

NM_006765.4(TUSC3):c.1028+8C>G

Gene: TUSC3 (tumor suppressor candidate 3; plus strand). Cytogenetic location: 8p22.
Variant type: single nucleotide variant.
Coding change: c.1028+8C>G on transcript NM_006765.4 (MANE Select); 8 bases into the intron after coding-DNA position 1028, C replaced by G.
Molecular consequence: intron variant.
Genome position (GRCh38, 1-based): chr8:15,748,473, C>G. VCF-style: chr8-15748473-C-G. GRCh37 (hg19) VCF-style: chr8-15605982-C-G.
Other names: c.1028+8C>G (NM_178234.2, NM_001356429.2).
Identifiers: ClinVar variation 130691 (VCV000130691.9), dbSNP rs587780496, ClinGen allele CA155894.